The following is an entry in ClinVar:

ClinVar aggregate classification (germline): Uncertain significance (1 of 4 stars; one submission).

gnomAD v4.1: 11 of 1,172,850 alleles (0.00094%); highest among the groups gnomAD compares: Non-Finnish European, 0.001%; no homozygotes.

Submission:

Labcorp Genetics (formerly Invitae), Labcorp
Classification: Uncertain significance. Last evaluated: 2022-07-12. Review status: criteria provided, single submitter. Criteria: Invitae Variant Classification Sherloc (09022015). Collection method: clinical testing. Allele origin: germline.
Comment: ClinVar contains an entry for this variant (Variation ID: 1509057). In summary, the available evidence is currently insufficient to determine the role of this variant in disease. Therefore, it has been classified as a Variant of Uncertain Significance. Algorithms developed to predict the effect of missense changes on protein structure and function (SIFT, PolyPhen-2, Align-GVGD) all suggest that this variant is likely to be tolerated. This variant has not been reported in the literature in individuals affected with AMER1-related conditions. This variant is not present in population databases (gnomAD no frequency). This sequence change replaces valine, which is neutral and non-polar, with isoleucine, which is neutral and non-polar, at codon 200 of the AMER1 protein (p.Val200Ile).

NM_152424.4(AMER1):c.598G>A (p.Val200Ile)

Gene: AMER1 (APC membrane recruitment protein 1; minus strand). Cytogenetic location: Xq11.2.
Variant type: single nucleotide variant.
Coding change: c.598G>A on transcript NM_152424.4 (MANE Select); coding-DNA position 598, G replaced by A.
Protein change: p.Val200Ile; replaces valine 200 with isoleucine.
Molecular consequence: missense variant.
Genome position (GRCh38, 1-based): chrX:64,192,689, C>T on the plus strand (G>A on the coding strand, the complement: AMER1 is on the minus strand). VCF-style: chrX-64192689-C-T. GRCh37 (hg19) VCF-style: chrX-63412569-C-T.
Other names: short protein forms V200I.
Identifiers: ClinVar variation 1509057 (VCV001509057.6), dbSNP rs771513377, ClinGen allele CA413310400.